The following is an entry in ClinVar:

NM_003242.6(TGFBR2):c.1378C>T (p.Arg460Cys)

Gene: TGFBR2 (transforming growth factor beta receptor 2; plus strand). Cytogenetic location: 3p24.1.
Variant type: single nucleotide variant.
Coding change: c.1378C>T on transcript NM_003242.6 (MANE Select); coding-DNA position 1378, C replaced by T.
Protein change: p.Arg460Cys; replaces arginine 460 with cysteine.
Molecular consequence: missense variant.
Genome position (GRCh38, 1-based): chr3:30,674,228, C>T. VCF-style: chr3-30674228-C-T. GRCh37 (hg19) VCF-style: chr3-30715720-C-T.
Other names: p.R460C:CGC>TGC; c.1453C>T, p.Arg485Cys (NM_001024847.3); c.1561C>T, p.Arg521Cys (NM_001407126.1); c.1486C>T, p.Arg496Cys (NM_001407127.1); c.1405C>T, p.Arg469Cys (NM_001407128.1); c.1381C>T, p.Arg461Cys (NM_001407129.1); c.1378C>T, p.Arg460Cys (NM_001407130.1); c.1273C>T, p.Arg425Cys (NM_001407132.1, NM_001407133.1, NM_001407134.1 and 2 more transcripts); and 2 more; short protein forms R460C, R485C, R340C, R425C, R469C, R365C, R461C, R496C.
Identifiers: ClinVar variation 12514 (VCV000012514.26), dbSNP rs104893811, ClinGen allele CA020661.

ClinVar aggregate classification (germline): Pathogenic. Review status: criteria provided, multiple submitters, no conflicts (2 of 4 stars). 9 submissions from 9 submitters: Pathogenic (6). 3 of the submissions do not count toward it. Last evaluated 2025-10-05.
ClinVar aggregate classification (oncogenicity): Oncogenic (1 of 4 stars; one submission).

Conditions:
Familial thoracic aortic aneurysm and aortic dissection (TAAD). Also called: Thoracic aortic aneurysms and dissections. Identifiers: Orphanet 91387, MedGen C4707243, MONDO:0019625.
Loeys-Dietz syndrome 2 (LDS2). Also called: TGFBR2-Related Loeys-Dietz Syndrome; AORTIC ANEURYSM, FAMILIAL THORACIC 3; MARFAN SYNDROME, TYPE II; Marfan syndrome, type 2 (formerly); Marfan Syndrome type 2; Marfan like connective tissue disorder. Identifiers: Orphanet 284973, Orphanet 558, MedGen C2674574, MONDO:0012427, OMIM 610168.
Cardiovascular phenotype. Identifiers: MedGen CN230736.
Neoplasm. Also called: Neoplasms; Neoplasm (disease); tumor. Identifiers: MedGen C0027651, MeSH D009369, MONDO:0005070, HP:0002664.

Allele frequency attached by ClinVar (database versions not stated): gnomAD exomes below 0.00001.
gnomAD v4.1: 1 of 1,614,090 alleles (0.000062%); highest among the groups gnomAD compares: Non-Finnish European, 0.000085%; no homozygotes.

Submissions (10):

Center for Genomic Medicine, Rigshospitalet, Copenhagen University Hospital
Classification: Oncogenic for Neoplasm. Last evaluated: 2026-10-16. Review status: criteria provided, single submitter. Criteria: ClinGen/CGC/VICC Guidelines for Oncogenicity, 2022. Collection method: clinical testing. Allele origin: somatic. Affected: yes.

Labcorp Genetics (formerly Invitae), Labcorp
Classification: Pathogenic for Familial thoracic aortic aneurysm and aortic dissection. Last evaluated: 2025-10-05. Review status: criteria provided, single submitter. Criteria: Invitae Variant Classification Sherloc (09022015). Collection method: clinical testing. Allele origin: germline.
Comment: This sequence change replaces arginine, which is basic and polar, with cysteine, which is neutral and slightly polar, at codon 460 of the TGFBR2 protein (p.Arg460Cys). This variant is not present in population databases (gnomAD no frequency). This missense change has been observed in individuals with TGFBR2-related disease (PMID: 16027248, 16799921, 19159394, 19542084). It has also been observed to segregate with disease in related individuals. ClinVar contains an entry for this variant (Variation ID: 12514). Invitae Evidence Modeling of protein sequence and biophysical properties (such as structural, functional, and spatial information, amino acid conservation, physicochemical variation, residue mobility, and thermodynamic stability) indicates that this missense variant is expected to disrupt TGFBR2 protein function with a positive predictive value of 95%. Experimental studies have shown that this missense change affects TGFBR2 function (PMID: 21098638). This variant disrupts the p.Arg460 amino acid residue in TGFBR2. Other variant(s) that disrupt this residue have been determined to be pathogenic (PMID: 16027248, 16251899, 21267002, 25644172, 27508510; internal data). This suggests that this residue is clinically significant, and that variants that disrupt this residue are likely to be disease-causing. For these reasons, this variant has been classified as Pathogenic.

GeneDx
Classification: Pathogenic. Last evaluated: 2025-09-19. Review status: criteria provided, single submitter. Criteria: GeneDx Variant Classification Process June 2021. Collection method: clinical testing. Allele origin: germline. Affected: yes.
Comment: Reported in multiple individuals with familial thoracic aortic aneurysm and dissection (TAAD) and in individuals who met diagnostic criteria for Marfan syndrome (PMID: 19542084, 16027248, 16799921); Not observed at significant frequency in large population cohorts (gnomAD); Published functional studies and in vitro assays have demonstrated that p.(R460C) affects protein trafficking, exhibits a dominant-negative effect, and fails to induce extracellular signal-regulated kinase (ERK) signaling activity (PMID: 21098638); In silico analysis supports that this missense variant has a deleterious effect on protein structure/function; This variant is associated with the following publications: (PMID: 21267002, 25644172, 19159394, 16251899, 27508510, 16799921, 23685554, 23276923, 28152038, 19542084, 16027248, 21098638)

Mayo Clinic Laboratories, Mayo Clinic
Classification: Pathogenic. Last evaluated: 2025-06-25. Review status: criteria provided, single submitter. Criteria: ACMG Guidelines, 2015. Collection method: clinical testing. Allele origin: germline. Observed: 2 variant alleles.
Comment: PP1_strong, PP3_moderate, PM2_supporting, PM5, PS3_supporting, PS4

Centre of Medical Genetics, University of Antwerp
Classification: Pathogenic for Familial thoracic aortic aneurysm and aortic dissection. Last evaluated: 2024-09-06. Review status: criteria provided, single submitter. Criteria: ACMG Guidelines, 2015. Collection method: clinical testing. Allele origin: germline. Affected: yes.
Comment: P(PS3; PM1-2, 5; PP3, 5)

All of Us Research Program, National Institutes of Health
Classification: Pathogenic for Loeys-Dietz syndrome 2. Last evaluated: 2023-11-28. Review status: criteria provided, single submitter. Criteria: ACMG Guidelines, 2015. Collection method: clinical testing. Allele origin: germline. Inheritance: Autosomal dominant inheritance. Observed: 1 variant allele, 1 heterozygote.
Comment: This variant has been reported in multiple individuals with thoracic aortic aneurysm and dissection (TAAD), and it has been reported to co-segregate with TAAD in multiple families (PMID: 16799921, 16027248, 19159394, 19542084). This variant is absent from large population databases, including the Genome Aggregation Database. It is predicted to be deleterious by in silico analysis. Functional studies suggest that this variant results in a deleterious effect on the protein (PMID: 21098638). A different missense substitution at this amino acid residue, p.Arg460His, has been previously reported in individuals with TAAD and Loeys-Dietz syndrome, and it is classified as pathogenic (ClinVar variation ID 12515), which supports the functional importance of this position.

This study involves interpretation of variants in research participants for the purpose of population health screening. Participant phenotype was not available at the time of variant classification. Additional details can be found in publication PMID: 35346344, PMCID: PMC8962531

Ambry Genetics
Classification: Pathogenic for Cardiovascular phenotype. Last evaluated: 2013-02-04. Review status: criteria provided, single submitter. Criteria: Ambry Autosomal Dominant and X-Linked criteria (10/2015). Collection method: clinical testing. Allele origin: germline. Observed: 1 variant allele.

OMIM
Classification: Pathogenic for LOEYS-DIETZ SYNDROME 2. Last evaluated: 2005-07-26. Review status: no assertion criteria provided. Collection method: literature only. Allele origin: germline. Not counted in ClinVar's aggregate classification.

Clinical Genetics DNA and cytogenetics Diagnostics Lab, Erasmus MC, Erasmus Medical Center
Classification: Likely pathogenic. Review status: no assertion criteria provided. Collection method: clinical testing. Allele origin: germline. Affected: yes. Study: VKGL Data-share Consensus. Not counted in ClinVar's aggregate classification.

Genome Diagnostics Laboratory, Amsterdam University Medical Center
Classification: Pathogenic. Review status: no assertion criteria provided. Collection method: clinical testing. Allele origin: germline. Affected: yes. Study: VKGL Data-share Consensus. Not counted in ClinVar's aggregate classification.

Literature cited by the submitters: PubMed 20628007 (cited by Center for Genomic Medicine, Rigshospitalet, Copenhagen University Hospital); PubMed 16027248 (cited by 4 submitters); PubMed 16799921 (cited by 3 submitters); PubMed 19159394 (cited by Labcorp Genetics (formerly Invitae), Labcorp and All of Us Research Program, National Institutes of Health); PubMed 19542084 (cited by 3 submitters); PubMed 21098638 (cited by 3 submitters); PubMed 16251899 (cited by Labcorp Genetics (formerly Invitae), Labcorp); PubMed 21267002 (cited by Labcorp Genetics (formerly Invitae), Labcorp); PubMed 25644172 (cited by Labcorp Genetics (formerly Invitae), Labcorp); PubMed 27508510 (cited by Labcorp Genetics (formerly Invitae), Labcorp); PubMed 28152038 (cited by Mayo Clinic Laboratories, Mayo Clinic); PubMed 12821554 (cited by OMIM).